The following is an entry in ClinVar:

NM_001242957.3(MAK):c.1659dup (p.Glu554fs)

Gene: MAK (male germ cell associated kinase; minus strand). Cytogenetic location: 6p24.2.
Variant type: Duplication.
Coding change: c.1659dup on transcript NM_001242957.3 (MANE Select); coding-DNA position 1659, one base duplicated (A; older notation c.1659dupA).
Protein change: p.Glu554fs; shifts the reading frame from glutamic acid 554.
Molecular consequence: frameshift variant. On other transcripts: intron variant (3).
Genome position (GRCh38, 1-based): chr6:10,773,047, T duplicated on the plus strand (A on the coding strand, the reverse complement: MAK is on the minus strand). VCF-style (leftmost placement, unchanged base first): chr6-10773046-C-CT. GRCh37 (hg19) VCF-style: chr6-10773279-C-CT.
Other names: c.1495+2281dup (NM_001377262.1); c.1597+2281dup (NM_005906.6, NM_001242385.2); short protein forms E554fs.
Identifiers: ClinVar variation 3656436 (VCV003656436.2).

ClinVar aggregate classification (germline): Pathogenic (1 of 4 stars; one submission).

Submission:

Labcorp Genetics (formerly Invitae), Labcorp
Classification: Pathogenic. Last evaluated: 2025-01-15. Review status: criteria provided, single submitter. Criteria: Invitae Variant Classification Sherloc (09022015). Collection method: clinical testing. Allele origin: germline.
Comment: This sequence change creates a premature translational stop signal (p.Glu554Argfs*63) in the MAK gene. While this is not anticipated to result in nonsense mediated decay, it is expected to disrupt the last 95 amino acid(s) of the MAK protein. This variant is not present in population databases (gnomAD no frequency). This variant has not been reported in the literature in individuals affected with MAK-related conditions. This variant disrupts a region of the MAK protein in which other variant(s) (p.Asn567Serfs*22) have been determined to be pathogenic (PMID: 32531858, 34321860; internal data). This suggests that this is a clinically significant region of the protein, and that variants that disrupt it are likely to be disease-causing. For these reasons, this variant has been classified as Pathogenic.

Literature cited by the submitters: PubMed 32531858; PubMed 34321860.